The following is an entry in ClinVar:

ClinVar aggregate classification (germline): Pathogenic. Review status: criteria provided, multiple submitters, no conflicts (2 of 4 stars). 2 submissions from 2 submitters: Pathogenic (2). Last evaluated 2025-03-31.

Conditions:
Tumoral calcinosis, hyperphosphatemic, familial, 1. Also called: CALCINOSIS, TUMORAL, WITH HYPERPHOSPHATEMIA; LIPOCALCINOGRANULOMATOSIS; MORBUS TEUTSCHLAENDER; TEUTSCHLAENDER DISEASE, FAMILIAL; TUMORAL CALCINOSIS, PRIMARY HYPERPHOSPHATEMIC; HYPEROSTOSIS WITH HYPERPHOSPHATEMIA. Identifiers: Orphanet 53715, MedGen C4692564, MONDO:0100252, OMIM 211900.

Submissions (2):

3billion
Classification: Pathogenic for Tumoral calcinosis, hyperphosphatemic, familial, 1. Last evaluated: 2025-03-31. Review status: criteria provided, single submitter. Criteria: ACMG Guidelines, 2015. Collection method: clinical testing. Allele origin: germline. Affected: yes.
Comment: The variant is observed at an extremely low frequency in the gnomAD v4.1.0 dataset (total allele frequency: <0.001%). Predicted Consequence/Location: Frameshift: predicted to result in a loss or disruption of normal protein function through nonsense-mediated decay (NMD) or protein truncation. Multiple pathogenic variants are reported downstream of the variant. The variant was homozygous. The variant has been reported to be associated with GALNT3-related disorder (ClinVar ID: VCV002734290 / PMID: 17853462). Therefore, this variant is classified as Pathogenic according to the recommendation of ACMG/AMP guideline.

Labcorp Genetics (formerly Invitae), Labcorp
Classification: Pathogenic. Last evaluated: 2022-12-15. Review status: criteria provided, single submitter. Criteria: Invitae Variant Classification Sherloc (09022015). Collection method: clinical testing. Allele origin: germline.
Comment: This sequence change creates a premature translational stop signal (p.Ser368Phefs*8) in the GALNT3 gene. It is expected to result in an absent or disrupted protein product. Loss-of-function variants in GALNT3 are known to be pathogenic (PMID: 15133511, 20358599). This variant is not present in population databases (gnomAD no frequency). This premature translational stop signal has been observed in individual(s) with tumoral calcinosis (PMID: 17853462). For these reasons, this variant has been classified as Pathogenic.

Literature cited by the submitters: PubMed 17853462 (cited by 3billion and Labcorp Genetics (formerly Invitae), Labcorp); PubMed 15133511 (cited by Labcorp Genetics (formerly Invitae), Labcorp); PubMed 20358599 (cited by Labcorp Genetics (formerly Invitae), Labcorp).

NM_004482.4(GALNT3):c.1102dup (p.Ser368fs)

Gene: GALNT3 (polypeptide N-acetylgalactosaminyltransferase 3; minus strand). Cytogenetic location: 2q24.3.
Variant type: Duplication.
Coding change: c.1102dup on transcript NM_004482.4 (MANE Select); coding-DNA position 1102, one base duplicated (T; older notation c.1102dupT).
Protein change: p.Ser368fs; shifts the reading frame from serine 368.
Molecular consequence: frameshift variant.
Genome position (GRCh38, 1-based): chr2:165,758,836, A duplicated on the plus strand (T on the coding strand, the reverse complement: GALNT3 is on the minus strand); the first of 6 consecutive A bases (chr2:165,758,836-165,758,841); duplicating any one gives the same sequence. VCF-style (leftmost placement, unchanged base first): chr2-165758835-G-GA. GRCh37 (hg19) VCF-style: chr2-166615345-G-GA.
Other names: short protein forms S368fs.
Identifiers: ClinVar variation 2734290 (VCV002734290.4), dbSNP rs1169338996, ClinGen allele CA760163331.